The following is an entry in ClinVar:

NM_032043.3(BRIP1):c.-3A>T

Gene: BRIP1 (BRCA1 interacting DNA helicase 1; minus strand). Cytogenetic location: 17q23.2.
Variant type: single nucleotide variant.
Coding change: c.-3A>T on transcript NM_032043.3 (MANE Select); 3 bases upstream of the start codon, A replaced by T.
Molecular consequence: 5 prime UTR variant.
Genome position (GRCh38, 1-based): chr17:61,861,542, T>A on the plus strand (A>T on the coding strand, the complement: BRIP1 is on the minus strand). VCF-style: chr17-61861542-T-A. GRCh37 (hg19) VCF-style: chr17-59938903-T-A.
Identifiers: ClinVar variation 1736892 (VCV001736892.2), dbSNP rs2145866604, ClinGen allele CA2580094666.

ClinVar aggregate classification (germline): Uncertain significance (1 of 4 stars; one submission).

Conditions:
Hereditary cancer-predisposing syndrome. Also called: Neoplastic Syndromes, Hereditary; Tumor predisposition; Hereditary Cancer Syndrome; Hereditary neoplastic syndrome. Identifiers: Orphanet 140162, MedGen C0027672, MeSH D009386, MONDO:0015356.

Submission:

Ambry Genetics
Classification: Uncertain significance for Hereditary cancer-predisposing syndrome. Last evaluated: 2021-10-14. Review status: criteria provided, single submitter. Criteria: Ambry Variant Classification Scheme 2023. Collection method: clinical testing. Allele origin: germline.
Comment: The c.-3A>T variant is located in the 5' untranslated region (5&rsquo; UTR) of the BRIP1 gene. This variant results from an A to T substitution 3 bases upstream from the first translated codon. Based on nucleotide sequence alignment, this position is well conserved in available vertebrate species. Since supporting evidence is limited at this time, the clinical significance of this alteration remains unclear.